The following is an entry in ClinVar:

ClinVar aggregate classification (germline): Uncertain significance. Review status: reviewed by expert panel (3 of 4 stars). 3 submissions from 3 submitters: Uncertain significance (1). 2 of the submissions do not count toward it. Last evaluated 2026-09-01.

Conditions:
DICER1-related tumor predisposition. Also called: DICER1 syndrome; DICER1-related pleuropulmonary blastoma cancer predisposition syndrome. Identifiers: Orphanet 284343, MedGen C3839822, MONDO:0100216.
Hereditary cancer-predisposing syndrome. Also called: Neoplastic Syndromes, Hereditary; Hereditary Cancer Syndrome; Hereditary neoplastic syndrome; Tumor predisposition. Identifiers: Orphanet 140162, MedGen C0027672, MeSH D009386, MONDO:0015356.

Allele frequency attached by ClinVar (database versions not stated): gnomAD exomes below 0.00001.
gnomAD v4.1: 1 of 1,613,828 alleles (0.000062%); highest among the groups gnomAD compares: Non-Finnish European, 0.000085%; no homozygotes.

Submissions (3):

ClinGen DICER1 and miRNA-Processing Gene Variant Curation Expert Panel, ClinGen
Classification: Uncertain significance for DICER1-related tumor predisposition. Last evaluated: 2026-09-01. Review status: reviewed by expert panel. Criteria: ClinGen DICER1 and miRNA-Processing Gene Expert Panel Specifications to the ACMG/AMP Variant Interpretation Guidelines for DICER1 Version 1.4. Collection method: curation. Allele origin: germline. Inheritance: Autosomal dominant inheritance.
Comment: The NM_177438.2:c.5563C>T (p.Arg1855Ter) variant in DICER1 is a nonsense variant that may cause loss of function of the protein; however, it is predicted to escape nonsense-mediated decay and remove <10% of the protein (PVS1_Moderate). Although this variant has been observed in individuals undergoing genetic sequencing, to our knowledge, this variant has not been reported in individuals with DICER1-related tumor predisposition (PS4 not met; PMID: 31300551, Internal lab contributors). This variant has an allele frequency of 6.196e-7 (1/1613828 alleles) across gnomAD v4.1.1 with no more than one allele in any subpopulation, which is lower than the ClinGen DICER1 VCEP threshold (<0.000005) for PM2_Supporting, and therefore meets this criterion (PM2_Supporting). In summary, this variant meets the criteria to be classified as Uncertain Significance for DICER1-related tumor predisposition based on the ACMG/AMP criteria applied, as specified by the ClinGen DICER1 VCEP: PVS1_Moderate, PM2_Supporting. (VCEP specifications version 1.4.0) Based on Tavtigian et al 2020 (PMID:32720330), the total points applied = 3, which equates to a classification of Uncertain Significance.

Labcorp Genetics (formerly Invitae), Labcorp
Classification: Uncertain significance for DICER1-related tumor predisposition. Last evaluated: 2022-06-24. Review status: criteria provided, single submitter. Criteria: Invitae Variant Classification Sherloc (09022015). Collection method: clinical testing. Allele origin: germline. Not counted in ClinVar's aggregate classification.
Comment: In summary, the available evidence is currently insufficient to determine the role of this variant in disease. Therefore, it has been classified as a Variant of Uncertain Significance. Algorithms developed to predict the effect of sequence changes on RNA splicing suggest that this variant may create or strengthen a splice site. ClinVar contains an entry for this variant (Variation ID: 947388). This variant has not been reported in the literature in individuals affected with DICER1-related conditions. This variant is not present in population databases (gnomAD no frequency). This sequence change creates a premature translational stop signal (p.Arg1855*) in the DICER1 gene. While this is not anticipated to result in nonsense mediated decay, it is expected to disrupt the last 68 amino acid(s) of the DICER1 protein.

Ambry Genetics
Classification: Uncertain significance for Hereditary cancer-predisposing syndrome. Last evaluated: 2020-12-30. Review status: criteria provided, single submitter. Criteria: Ambry Variant Classification Scheme 2023. Collection method: clinical testing. Allele origin: germline. Not counted in ClinVar's aggregate classification.
Comment: The p.R1855* variant (also known as c.5563C>T), located in coding exon 25 of the DICER1 gene, results from a C to T substitution at nucleotide position 5563. This changes the amino acid from an arginine to a stop codon within coding exon 25. This alteration occurs at the 3' terminus of DICER1 gene, is not expected to trigger nonsense-mediated mRNAdecay, and only impacts the last 68 amino acids of the protein. The exact functional effect of this alteration is unknown. This variant was not reported in population-based cohorts in the Genome Aggregation Database (gnomAD). Since supporting evidence is limited at this time, the clinical significance of this alteration remains unclear.

Literature cited by the submitters: PubMed 31300551 (cited by Ambry Genetics).

NM_177438.3(DICER1):c.5563C>T (p.Arg1855Ter)

Gene: DICER1 (dicer 1, ribonuclease III; minus strand). Cytogenetic location: 14q32.13.
Variant type: single nucleotide variant.
Coding change: c.5563C>T on transcript NM_177438.3 (MANE Select); coding-DNA position 5563, C replaced by T.
Protein change: p.Arg1855Ter; replaces arginine 1855 with a stop codon.
Molecular consequence: nonsense. On other transcripts: synonymous variant (1).
Genome position (GRCh38, 1-based): chr14:95,091,074, G>A on the plus strand (C>T on the coding strand, the complement: DICER1 is on the minus strand). VCF-style: chr14-95091074-G-A. GRCh37 (hg19) VCF-style: chr14-95557411-G-A.
Other names: NM_177438.3(DICER1):c.5563C>T; p.Arg1855Ter; c.5400C>T, p.Cys1800= (NM_001195573.1); c.5563C>T, p.Arg1855Ter (NM_001271282.3, NM_001291628.2, NM_030621.4); short protein forms R1855*.
Identifiers: ClinVar variation 947388 (VCV000947388.15), dbSNP rs1889761840, ClinGen allele CA390864253.
Genomic context (GRCh38, chr14:95,091,074, plus strand): 5'-CATGTACATTTTTTGCTTACCTAAATTTGGCAGTTTCTGGTTCCATTTCAAGCAATTCTC[G>A]CACAGGGGAACGGGGTACATTTGCAGAAAACTTTTCTGCAATCAAAATGAAAGAATAATA-3'